The following is an entry in ClinVar:

ClinVar aggregate classification (germline): Uncertain significance (1 of 4 stars; one submission).

Allele frequency attached by ClinVar (database versions not stated): TOPMed below 0.00001.

Submission:

Labcorp Genetics (formerly Invitae), Labcorp
Classification: Uncertain significance. Last evaluated: 2022-08-22. Review status: criteria provided, single submitter. Criteria: Invitae Variant Classification Sherloc (09022015). Collection method: clinical testing. Allele origin: germline.
Comment: In summary, the available evidence is currently insufficient to determine the role of this variant in disease. Therefore, it has been classified as a Variant of Uncertain Significance. ClinVar contains an entry for this variant (Variation ID: 1446902). This variant has not been reported in the literature in individuals affected with LRIT3-related conditions. This variant is not present in population databases (gnomAD no frequency). This sequence change creates a premature translational stop signal (p.Ser162Argfs*44) in the LRIT3 gene. It is expected to result in an absent or disrupted protein product. However, the current clinical and genetic evidence is not sufficient to establish whether loss-of-function variants in LRIT3 cause disease.

NM_198506.5(LRIT3):c.486_487del (p.Ser162fs)

Gene: LRIT3 (leucine rich repeat, Ig-like and transmembrane domains 3; plus strand). Cytogenetic location: 4q25.
Variant type: Deletion.
Coding change: c.486_487del on transcript NM_198506.5 (MANE Select); coding-DNA positions 486 to 487, 2 bases deleted (CA; older notation c.486_487delCA).
Protein change: p.Ser162fs; shifts the reading frame from serine 162.
Molecular consequence: frameshift variant.
Genome position (GRCh38, 1-based): chr4:109,851,873-109,851,874, CA deleted. VCF-style (leftmost placement, unchanged base first): chr4-109851872-GCA-G. GRCh37 (hg19) VCF-style: chr4-110773028-GCA-G.
Other names: short protein forms S162fs.
Identifiers: ClinVar variation 1446902 (VCV001446902.6), dbSNP rs1734280981, ClinGen allele CA1484764769.